The following is an entry in ClinVar:

ClinVar aggregate classification (germline): Likely pathogenic. Review status: criteria provided, multiple submitters, no conflicts (2 of 4 stars). 2 submissions from 2 submitters: Likely pathogenic (2). Last evaluated 2024-10-04.

Conditions:
MID1-related disorder. Also called: MID1-related condition.

Submissions (2):

PreventionGenetics, part of Exact Sciences
Classification: Likely pathogenic for MID1-related condition. Last evaluated: 2024-10-04. Review status: criteria provided, single submitter. Criteria: ACMG Guidelines, 2015. Collection method: clinical testing. Allele origin: germline.
Comment: The MID1 c.1943T>C variant is predicted to result in the amino acid substitution p.Leu648Pro. To our knowledge, this variant has not been reported in the literature or in a large population database, indicating this variant is rare. This variant is classified as likely pathogenic.

Labcorp Genetics (formerly Invitae), Labcorp
Classification: Likely pathogenic. Last evaluated: 2024-05-15. Review status: criteria provided, single submitter. Criteria: Invitae Variant Classification Sherloc (09022015). Collection method: clinical testing. Allele origin: germline.
Comment: This sequence change replaces leucine, which is neutral and non-polar, with proline, which is neutral and non-polar, at codon 648 of the MID1 protein (p.Leu648Pro). This variant is not present in population databases (gnomAD no frequency). This missense change has been observed in individual(s) with clinical features of MID1-related conditions (Invitae). In at least one individual the variant was observed to be de novo. Advanced modeling of protein sequence and biophysical properties (such as structural, functional, and spatial information, amino acid conservation, physicochemical variation, residue mobility, and thermodynamic stability) performed at Invitae indicates that this missense variant is not expected to disrupt MID1 protein function with a negative predictive value of 80%. In summary, the currently available evidence indicates that the variant is pathogenic, but additional data are needed to prove that conclusively. Therefore, this variant has been classified as Likely Pathogenic.

NM_000381.4(MID1):c.1943T>C (p.Leu648Pro)

Genes: MID1 (midline 1; minus strand), LOC126863207 (BRD4-independent group 4 enhancer GRCh37_chrX:10416979-10418178; plus strand). Cytogenetic location: Xp22.2.
Variant type: single nucleotide variant.
Coding change: c.1943T>C on transcript NM_000381.4 (MANE Select); coding-DNA position 1943, T replaced by C.
Protein change: p.Leu648Pro; replaces leucine 648 with proline.
Molecular consequence: missense variant.
Genome position (GRCh38, 1-based): chrX:10,449,429, A>G on the plus strand (T>C on the coding strand, the complement: MID1 is on the minus strand). VCF-style: chrX-10449429-A-G. GRCh37 (hg19) VCF-style: chrX-10417469-A-G.
Other names: c.1943T>C (NM_000381.3); c.1943T>C, p.Leu648Pro (NM_001098624.2, NM_001193277.1, NM_001347733.2 and 1 more transcripts); c.1829T>C, p.Leu610Pro (NM_033289.2); short protein forms L610P, L648P.
Identifiers: ClinVar variation 2837986 (VCV002837986.5), dbSNP rs2518959444, ClinGen allele CA412049783.